The following is an entry in ClinVar:

NM_006182.4(DDR2):c.1651A>G (p.Lys551Glu)

Gene: DDR2 (discoidin domain receptor tyrosine kinase 2; plus strand). Cytogenetic location: 1q23.3.
Variant type: single nucleotide variant.
Coding change: c.1651A>G on transcript NM_006182.4 (MANE Select); coding-DNA position 1651, A replaced by G.
Protein change: p.Lys551Glu; replaces lysine 551 with glutamic acid.
Molecular consequence: missense variant.
Genome position (GRCh38, 1-based): chr1:162,772,170, A>G. VCF-style: chr1-162772170-A-G. GRCh37 (hg19) VCF-style: chr1-162741960-A-G.
Other names: c.1651A>G, p.Lys551Glu (NM_001014796.3, NM_001354982.2, NM_001354983.2); short protein forms K551E.
Identifiers: ClinVar variation 1040520 (VCV001040520.1), dbSNP rs1647263961, ClinGen allele CA343412111.

ClinVar aggregate classification (germline): Uncertain significance (1 of 4 stars; one submission).

Allele frequency attached by ClinVar (database versions not stated): TOPMed below 0.00001.

Submission:

Labcorp Genetics (formerly Invitae), Labcorp
Classification: Uncertain significance. Last evaluated: 2020-03-19. Review status: criteria provided, single submitter. Criteria: Invitae Variant Classification Sherloc (09022015). Collection method: clinical testing. Allele origin: germline.
Comment: This sequence change replaces lysine with glutamic acid at codon 551 of the DDR2 protein (p.Lys551Glu). The lysine residue is highly conserved and there is a small physicochemical difference between lysine and glutamic acid. This variant is not present in population databases (ExAC no frequency). This variant has not been reported in the literature in individuals with DDR2-related conditions. Algorithms developed to predict the effect of missense changes on protein structure and function are either unavailable or do not agree on the potential impact of this missense change (SIFT: Tolerated; PolyPhen-2: Possibly Damaging; Align-GVGD: Class C0). In summary, the available evidence is currently insufficient to determine the role of this variant in disease. Therefore, it has been classified as a Variant of Uncertain Significance.